The following is an entry in ClinVar:

NM_001042492.3(NF1):c.6638T>C (p.Met2213Thr)

Gene: NF1 (neurofibromin 1; plus strand). Cytogenetic location: 17q11.2.
Variant type: single nucleotide variant.
Coding change: c.6638T>C on transcript NM_001042492.3 (MANE Select); coding-DNA position 6638, T replaced by C.
Protein change: p.Met2213Thr; replaces methionine 2213 with threonine.
Molecular consequence: missense variant.
Genome position (GRCh38, 1-based): chr17:31,337,578, T>C. VCF-style: chr17-31337578-T-C. GRCh37 (hg19) VCF-style: chr17-29664596-T-C.
Other names: c.6575T>C, p.Met2192Thr (NM_000267.4); short protein forms M2192T, M2213T.
Identifiers: ClinVar variation 2128128 (VCV002128128.4), dbSNP rs1189203506, ClinGen allele CA399013560.

ClinVar aggregate classification (germline): Uncertain significance (1 of 4 stars; one submission).

Conditions:
Neurofibromatosis, type 1 (NF1). Also called: Peripheral type neurofibromatosis; NEUROFIBROMATOSIS, TYPE I, SOMATIC; Neurofibromatosis, type I; VON RECKLINGHAUSEN DISEASE. Identifiers: Orphanet 636, MedGen C0027831, MONDO:0018975, OMIM 162200. Disease mechanism: loss of function.

Allele frequency attached by ClinVar (database versions not stated): TOPMed below 0.00001; gnomAD 0.00001.
gnomAD v4.1: 1 of 1,613,828 alleles (0.000062%); highest among the groups gnomAD compares: Non-Finnish European, 0.000085%; no homozygotes.

Submission:

Labcorp Genetics (formerly Invitae), Labcorp
Classification: Uncertain significance for Neurofibromatosis, type 1. Last evaluated: 2022-04-19. Review status: criteria provided, single submitter. Criteria: Invitae Variant Classification Sherloc (09022015). Collection method: clinical testing. Allele origin: germline.
Comment: This variant has not been reported in the literature in individuals affected with NF1-related conditions. This variant is not present in population databases (gnomAD no frequency). This sequence change replaces methionine, which is neutral and non-polar, with threonine, which is neutral and polar, at codon 2192 of the NF1 protein (p.Met2192Thr). Advanced modeling of protein sequence and biophysical properties (such as structural, functional, and spatial information, amino acid conservation, physicochemical variation, residue mobility, and thermodynamic stability) performed at Invitae indicates that this missense variant is expected to disrupt NF1 protein function. In summary, the available evidence is currently insufficient to determine the role of this variant in disease. Therefore, it has been classified as a Variant of Uncertain Significance.